The following is an entry in ClinVar:

ClinVar aggregate classification (germline): Uncertain significance. Review status: criteria provided, multiple submitters, no conflicts (2 of 4 stars). 2 submissions from 2 submitters: Uncertain significance (2). Last evaluated 2025-09-17.

Conditions:
Cardiovascular phenotype. Identifiers: MedGen CN230736.
Dilated cardiomyopathy 1AA (CMD1AA). Also called: Cardiomyopathy, dilated, 1AA, with or without LVNC; CARDIOMYOPATHY, DILATED, 1AA, WITH OR WITHOUT LEFT VENTRICULAR NONCOMPACTION; CARDIOMYOPATHY, FAMILIAL HYPERTROPHIC, 23, WITH OR WITHOUT LEFT VENTRICULAR NONCOMPACTION. Identifiers: Orphanet 154, MedGen C2677338, MONDO:0012808, OMIM 612158.
Primary familial hypertrophic cardiomyopathy (HCM). Identifiers: Orphanet 99739, MedGen C0949658, MeSH D024741, MONDO:0024573. Inheritance: Various modes of inheritance.

gnomAD v4.1: 1 of 1,614,084 alleles (0.000062%); no homozygotes.

Submissions (2):

Ambry Genetics
Classification: Uncertain significance for Cardiovascular phenotype. Last evaluated: 2025-09-17. Review status: criteria provided, single submitter. Criteria: Ambry Variant Classification Scheme 2023. Collection method: clinical testing. Allele origin: germline.
Comment: The p.R721P variant (also known as c.2162G>C), located in coding exon 18 of the ACTN2 gene, results from a G to C substitution at nucleotide position 2162. The arginine at codon 721 is replaced by proline, an amino acid with dissimilar properties. This amino acid position is conserved. In addition, this alteration is predicted to be deleterious by in silico analysis. Based on the available evidence, the clinical significance of this variant remains unclear.

Labcorp Genetics (formerly Invitae), Labcorp
Classification: Uncertain significance for Primary familial hypertrophic cardiomyopathy; Dilated cardiomyopathy 1AA. Last evaluated: 2021-08-28. Review status: criteria provided, single submitter. Criteria: Invitae Variant Classification Sherloc (09022015). Collection method: clinical testing. Allele origin: germline.
Comment: This sequence change replaces arginine with proline at codon 721 of the ACTN2 protein (p.Arg721Pro). The arginine residue is highly conserved and there is a moderate physicochemical difference between arginine and proline. This variant is not present in population databases (ExAC no frequency). This variant has not been reported in the literature in individuals affected with ACTN2-related conditions. ClinVar contains an entry for this variant (Variation ID: 463203). Algorithms developed to predict the effect of missense changes on protein structure and function (SIFT, PolyPhen-2, Align-GVGD) all suggest that this variant is likely to be disruptive. In summary, the available evidence is currently insufficient to determine the role of this variant in disease. Therefore, it has been classified as a Variant of Uncertain Significance.

NM_001103.4(ACTN2):c.2162G>C (p.Arg721Pro)

Gene: ACTN2 (actinin alpha 2; plus strand). Cytogenetic location: 1q43.
Variant type: single nucleotide variant.
Coding change: c.2162G>C on transcript NM_001103.4 (MANE Select); coding-DNA position 2162, G replaced by C.
Protein change: p.Arg721Pro; replaces arginine 721 with proline.
Molecular consequence: missense variant.
Genome position (GRCh38, 1-based): chr1:236,757,493, G>C. VCF-style: chr1-236757493-G-C. GRCh37 (hg19) VCF-style: chr1-236920793-G-C.
Other names: c.2162G>C, p.Arg721Pro (NM_001278343.2); c.1538G>C, p.Arg513Pro (NM_001278344.2); c.2162G>C (NM_001103.2); short protein forms R721P, R513P.
Identifiers: ClinVar variation 463203 (VCV000463203.7), dbSNP rs546431200, ClinGen allele CA345388607.